The following is an entry in ClinVar:

ClinVar aggregate classification (germline): Benign (1 of 4 stars; one submission).

Allele frequency attached by ClinVar (database versions not stated): gnomAD exomes 0.00097; 1000 Genomes Project 0.00160; 1000 Genomes Project 30x 0.00187; TOPMed 0.00243.
gnomAD v4.1: 315 of 155,572 alleles (0.2%); highest among the groups gnomAD compares: African/African-American, 0.43%; no homozygotes.

Submission:

CeGaT Center for Human Genetics Tuebingen
Classification: Benign. Last evaluated: 2022-09-01. Review status: criteria provided, single submitter. Criteria: CeGaT Center For Human Genetics Tuebingen Variant Classification Criteria Version 2. Collection method: clinical testing. Allele origin: germline. Affected: yes. Observed: 1 variant allele.
Comment: GABRD: BS1, BS2

NM_000815.5(GABRD):c.69-439G>A

Gene: GABRD (gamma-aminobutyric acid type A receptor subunit delta; plus strand). Cytogenetic location: 1p36.33.
Variant type: single nucleotide variant.
Coding change: c.69-439G>A on transcript NM_000815.5 (MANE Select); 439 bases into the intron before coding-DNA position 69, G replaced by A.
Molecular consequence: intron variant.
Genome position (GRCh38, 1-based): chr1:2,024,503, G>A. VCF-style: chr1-2024503-G-A. GRCh37 (hg19) VCF-style: chr1-1955942-G-A.
Identifiers: ClinVar variation 2638072 (VCV002638072.24), dbSNP rs146393122, ClinGen allele CA16884225.